The following is an entry in ClinVar:

NM_173660.5(DOK7):c.1457dup (p.Ala487fs)

Gene: DOK7 (docking protein 7; plus strand). Cytogenetic location: 4p16.3.
Variant type: Duplication.
Coding change: c.1457dup on transcript NM_173660.5 (MANE Select); coding-DNA position 1457, one base duplicated (C; older notation c.1457dupC).
Protein change: p.Ala487fs; shifts the reading frame from alanine 487.
Molecular consequence: frameshift variant. On other transcripts: 3 prime UTR variant (1).
Genome position (GRCh38, 1-based): chr4:3,493,443, C duplicated; the last of 5 consecutive C bases (chr4:3,493,439-3,493,443); duplicating any one gives the same sequence. VCF-style (leftmost placement, unchanged base first): chr4-3493438-A-AC. GRCh37 (hg19) VCF-style: chr4-3495165-A-AC.
Other names: c.*678dup (NM_001164673.2); c.527dup, p.Ala177fs (NM_001256896.2); c.1457dup, p.Ala487fs (NM_001301071.2); c.1025dup, p.Ala343fs (NM_001363811.2); short protein forms A177fs, A343fs, A487fs.
Identifiers: ClinVar variation 3384086 (VCV003384086.1).

ClinVar aggregate classification (germline): Likely pathogenic (1 of 4 stars; one submission).

Conditions:
Fetal akinesia deformation sequence 3. Identifiers: MedGen C4760599, MONDO:0100103, OMIM 618389.

Submission:

Dubai Health Genomic Medicine Center, Dubai Health
Classification: Likely pathogenic for Fetal akinesia deformation sequence 3. Last evaluated: 2024-10-04. Review status: criteria provided, single submitter. Criteria: ACMG Guidelines, 2015. Collection method: research. Allele origin: germline. Affected: yes.
Comment: PVS1,PM3(moderate),PM2